The following is an entry in ClinVar:

NM_001134407.3(GRIN2A):c.1268A>G (p.Asp423Gly)

Gene: GRIN2A (glutamate ionotropic receptor NMDA type subunit 2A; minus strand). Cytogenetic location: 16p13.2.
Variant type: single nucleotide variant.
Coding change: c.1268A>G on transcript NM_001134407.3 (MANE Select); coding-DNA position 1268, A replaced by G.
Protein change: p.Asp423Gly; replaces aspartic acid 423 with glycine.
Molecular consequence: missense variant.
Genome position (GRCh38, 1-based): chr16:9,849,816, T>C on the plus strand (A>G on the coding strand, the complement: GRIN2A is on the minus strand). VCF-style: chr16-9849816-T-C. GRCh37 (hg19) VCF-style: chr16-9943673-T-C.
Other names: c.1268A>G, p.Asp423Gly (NM_000833.5, NM_001134408.2); short protein forms D423G.
Identifiers: ClinVar variation 4278757 (VCV004278757.1).

ClinVar aggregate classification (germline): Uncertain significance (1 of 4 stars; one submission).

Submission:

GeneDx
Classification: Uncertain significance. Last evaluated: 2025-03-30. Review status: criteria provided, single submitter. Criteria: GeneDx Variant Classification Process June 2021. Collection method: clinical testing. Allele origin: germline. Affected: yes.
Comment: Not observed at significant frequency in large population cohorts (gnomAD); In silico analysis supports that this missense variant has a deleterious effect on protein structure/function; Has not been previously published as pathogenic or benign to our knowledge; This variant is associated with the following publications: (PMID: 27839871)